The following is an entry in ClinVar:

ClinVar aggregate classification (germline): Uncertain significance. Review status: criteria provided, multiple submitters, no conflicts (2 of 4 stars). 2 submissions from 2 submitters: Uncertain significance (2). Last evaluated 2024-01-02.

Conditions:
Congenital contractural arachnodactyly (CCA). Also called: Arthrogryposis, distal, type 9; BEALS SYNDROME; Beals-Hecht syndrome. Identifiers: Orphanet 115, MedGen C0220668, MONDO:0007363, OMIM 121050.

gnomAD v4.1: 1 of 1,613,802 alleles (0.000062%); highest among the groups gnomAD compares: Non-Finnish European, 0.000085%; no homozygotes.

Submissions (2):

Labcorp Genetics (formerly Invitae), Labcorp
Classification: Uncertain significance for Congenital contractural arachnodactyly. Last evaluated: 2024-01-02. Review status: criteria provided, single submitter. Criteria: Invitae Variant Classification Sherloc (09022015). Collection method: clinical testing. Allele origin: germline.
Comment: This sequence change replaces glutamine, which is neutral and polar, with histidine, which is basic and polar, at codon 2826 of the FBN2 protein (p.Gln2826His). This variant is not present in population databases (gnomAD no frequency). This variant has not been reported in the literature in individuals affected with FBN2-related conditions. ClinVar contains an entry for this variant (Variation ID: 1313655). Advanced modeling of protein sequence and biophysical properties (such as structural, functional, and spatial information, amino acid conservation, physicochemical variation, residue mobility, and thermodynamic stability) performed at Invitae indicates that this missense variant is not expected to disrupt FBN2 protein function with a negative predictive value of 80%. In summary, the available evidence is currently insufficient to determine the role of this variant in disease. Therefore, it has been classified as a Variant of Uncertain Significance.

GeneDx
Classification: Uncertain significance. Last evaluated: 2020-11-06. Review status: criteria provided, single submitter. Criteria: GeneDx Variant Classification Process June 2021. Collection method: clinical testing. Allele origin: germline. Affected: yes.
Comment: Has not been previously published as pathogenic or benign to our knowledge; Not observed in large population cohorts (Lek et al., 2016); In silico analysis supports that this missense variant does not alter protein structure/function; Does not affect a cysteine residue within a calcium-binding EGF-like domain of the FBN2 gene; cysteine substitutions in the calcium-binding EGF-like domains represent the majority of pathogenic missense changes associated with FBN2-related disorders (Collod-Beroud et al., 2003; Frederic et al., 2009).

NM_001999.4(FBN2):c.8478G>C (p.Gln2826His)

Gene: FBN2 (fibrillin 2; minus strand). Cytogenetic location: 5q23.3.
Variant type: single nucleotide variant.
Coding change: c.8478G>C on transcript NM_001999.4 (MANE Select); coding-DNA position 8478, G replaced by C.
Protein change: p.Gln2826His; replaces glutamine 2826 with histidine.
Molecular consequence: missense variant.
Genome position (GRCh38, 1-based): chr5:128,259,716, C>G on the plus strand (G>C on the coding strand, the complement: FBN2 is on the minus strand). VCF-style: chr5-128259716-C-G. GRCh37 (hg19) VCF-style: chr5-127595408-C-G.
Other names: short protein forms Q2826H.
Identifiers: ClinVar variation 1313655 (VCV001313655.6), dbSNP rs1161871936, ClinGen allele CA360745745.